The following is an entry in ClinVar:

ClinVar aggregate classification (germline): Uncertain significance (1 of 4 stars; one submission).

gnomAD v4.1: 1 of 1,609,418 alleles (0.000062%); highest among the groups gnomAD compares: Non-Finnish European, 0.000085%; no homozygotes.

Submission:

CeGaT Center for Human Genetics Tuebingen
Classification: Uncertain significance. Last evaluated: 2023-08-01. Review status: criteria provided, single submitter. Criteria: CeGaT Center For Human Genetics Tuebingen Variant Classification Criteria Version 2. Collection method: clinical testing. Allele origin: germline. Affected: yes. Observed: 1 variant allele.
Comment: GRIK2: PM2

NM_021956.5(GRIK2):c.1280C>G (p.Ser427Cys)

Gene: GRIK2 (glutamate ionotropic receptor kainate type subunit 2; plus strand). Cytogenetic location: 6q16.3.
Variant type: single nucleotide variant.
Coding change: c.1280C>G on transcript NM_021956.5 (MANE Select); coding-DNA position 1280, C replaced by G.
Protein change: p.Ser427Cys; replaces serine 427 with cysteine.
Molecular consequence: missense variant.
Genome position (GRCh38, 1-based): chr6:101,818,446, C>G. VCF-style: chr6-101818446-C-G. GRCh37 (hg19) VCF-style: chr6-102266321-C-G.
Other names: c.1280C>G, p.Ser427Cys (NM_001166247.1, NM_175768.3); short protein forms S427C.
Identifiers: ClinVar variation 2656794 (VCV002656794.24), dbSNP rs2484178575, ClinGen allele CA365308114.